The following is an entry in ClinVar:

NM_006208.3(ENPP1):c.1423G>A (p.Ala475Thr)

Gene: ENPP1 (ectonucleotide pyrophosphatase/phosphodiesterase 1; plus strand). Cytogenetic location: 6q23.2.
Variant type: single nucleotide variant.
Coding change: c.1423G>A on transcript NM_006208.3 (MANE Select); coding-DNA position 1423, G replaced by A.
Protein change: p.Ala475Thr; replaces alanine 475 with threonine.
Molecular consequence: missense variant.
Genome position (GRCh38, 1-based): chr6:131,872,087, G>A. VCF-style: chr6-131872087-G-A. GRCh37 (hg19) VCF-style: chr6-132193227-G-A.
Other names: short protein forms A475T.
Identifiers: ClinVar variation 1993830 (VCV001993830.4), dbSNP rs2483502157, ClinGen allele CA365675485.

ClinVar aggregate classification (germline): Uncertain significance (1 of 4 stars; one submission).

Allele frequency attached by ClinVar (database versions not stated): gnomAD exomes below 0.00001.

Submission:

Labcorp Genetics (formerly Invitae), Labcorp
Classification: Uncertain significance. Last evaluated: 2022-05-12. Review status: criteria provided, single submitter. Criteria: Invitae Variant Classification Sherloc (09022015). Collection method: clinical testing. Allele origin: germline.
Comment: This sequence change replaces alanine, which is neutral and non-polar, with threonine, which is neutral and polar, at codon 475 of the ENPP1 protein (p.Ala475Thr). In summary, the available evidence is currently insufficient to determine the role of this variant in disease. Therefore, it has been classified as a Variant of Uncertain Significance. Algorithms developed to predict the effect of missense changes on protein structure and function (SIFT, PolyPhen-2, Align-GVGD) all suggest that this variant is likely to be tolerated. This variant has not been reported in the literature in individuals affected with ENPP1-related conditions. This variant is not present in population databases (gnomAD no frequency).